The following is an entry in ClinVar:

NM_000090.4(COL3A1):c.1978G>A (p.Gly660Ser)

Gene: COL3A1 (collagen type III alpha 1 chain; plus strand). Cytogenetic location: 2q32.2.
Variant type: single nucleotide variant.
Coding change: c.1978G>A on transcript NM_000090.4 (MANE Select); coding-DNA position 1978, G replaced by A.
Protein change: p.Gly660Ser; replaces glycine 660 with serine.
Molecular consequence: missense variant.
Genome position (GRCh38, 1-based): chr2:188,998,674, G>A. VCF-style: chr2-188998674-G-A. GRCh37 (hg19) VCF-style: chr2-189863400-G-A.
Other names: short protein forms G660S.
Identifiers: ClinVar variation 860817 (VCV000860817.10), dbSNP rs1688384382, ClinGen allele CA349854260.

ClinVar aggregate classification (germline): Likely pathogenic (1 of 4 stars; one submission).

Conditions:
Ehlers-Danlos syndrome, type 4 (EDSVASC). Also called: Ehlers-Danlos Syndrome Type IV; Ehlers-Danlos syndrome vascular type; Ehlers Danlos syndrome, ecchymotic type; Ehlers Danlos syndrome, arterial type; Ehlers Danlos syndrome, Sack-Barabas type. Identifiers: Orphanet 286, MedGen C0268338, MONDO:0017314, OMIM 130050.

Submission:

Labcorp Genetics (formerly Invitae), Labcorp
Classification: Likely pathogenic for Ehlers-Danlos syndrome, type 4. Last evaluated: 2019-05-07. Review status: criteria provided, single submitter. Criteria: Invitae Variant Classification Sherloc (09022015). Collection method: clinical testing. Allele origin: germline.
Comment: In summary, the currently available evidence indicates that the variant is pathogenic, but additional data are needed to prove that conclusively. Therefore, this variant has been classified as Likely Pathogenic. This sequence change replaces glycine with serine at codon 660 of the COL3A1 protein (p.Gly660Ser). The glycine residue is highly conserved and there is a small physicochemical difference between glycine and serine. This variant is not present in population databases (ExAC no frequency). This variant has not been reported in the literature in individuals with COL3A1-related conditions. Glycine residues within the Gly-Xaa-Yaa repeats of the triple helix domain are required for the structure and stability of fibrillar collagens (PMID: 7695699, 8218237, 19344236). In COL3A1, variants that affect these glycine residues are significantly enriched in individuals with disease (PMID: 24922459, 25758994) compared to the general population (ExAC).

Literature cited by the submitters: PubMed 7695699; PubMed 8218237; PubMed 19344236; PubMed 24922459; PubMed 25758994.